The following is an entry in ClinVar:

NC_000007.13:g.(?_138588314)_(138597226_?)del

Gene: KIAA1549 (KIAA1549; minus strand). Cytogenetic location: 7q34.
Variant type: Deletion.
Identifiers: ClinVar variation 1056075 (VCV001056075.5).

ClinVar aggregate classification (germline): Uncertain significance (1 of 4 stars; one submission).

Submission:

Labcorp Genetics (formerly Invitae), Labcorp
Classification: Uncertain significance. Last evaluated: 2020-08-20. Review status: criteria provided, single submitter. Criteria: Invitae Variant Classification Sherloc (09022015). Collection method: clinical testing. Allele origin: germline.
Comment: In summary, the available evidence is currently insufficient to determine the role of this variant in disease. Therefore, it has been classified as a Variant of Uncertain Significance. The current clinical and genetic evidence is not sufficient to establish whether loss-of-function variants in KIAA1549 cause disease. This variant has not been reported in the literature in individuals with KIAA1549-related conditions. This variant is an out-of-frame deletion of the genomic region encompassing exon(s) 3-8 of the KIAA1549 gene. This is expected to create a premature translational stop signal and result in an absent or disrupted protein product.